The following is an entry in ClinVar:

NM_002334.4(LRP4):c.3106C>T (p.Leu1036=)

Gene: LRP4 (LDL receptor related protein 4; minus strand). Cytogenetic location: 11p11.2.
Variant type: single nucleotide variant.
Coding change: c.3106C>T on transcript NM_002334.4 (MANE Select); coding-DNA position 3106, C replaced by T.
Protein change: p.Leu1036=; no amino-acid change (leucine 1036 retained).
Molecular consequence: synonymous variant.
Genome position (GRCh38, 1-based): chr11:46,878,937, G>A on the plus strand (C>T on the coding strand, the complement: LRP4 is on the minus strand). VCF-style: chr11-46878937-G-A. GRCh37 (hg19) VCF-style: chr11-46900488-G-A.
Other names: p.Leu1036=.
Identifiers: ClinVar variation 4683614 (VCV004683614.1).

ClinVar aggregate classification (germline): Likely benign (1 of 4 stars; one submission).

gnomAD v4.1: 3 of 1,614,136 alleles (0.00019%); highest among the groups gnomAD compares: Non-Finnish European, 0.00025%; no homozygotes.

Submission:

Mayo Clinic Laboratories, Mayo Clinic
Classification: Likely benign. Last evaluated: 2024-12-30. Review status: criteria provided, single submitter. Criteria: ACMG Guidelines, 2015. Collection method: clinical testing. Allele origin: germline. Observed: 1 variant allele.
Comment: BP4, BP7